The following is an entry in ClinVar:

NM_001351169.2(NT5C2):c.688-87T>G

Gene: NT5C2 (5'-nucleotidase, cytosolic II; minus strand). Cytogenetic location: 10q24.32.
Variant type: single nucleotide variant.
Coding change: c.688-87T>G on transcript NM_001351169.2 (MANE Select); 87 bases into the intron before coding-DNA position 688, T replaced by G.
Molecular consequence: intron variant.
Genome position (GRCh38, 1-based): chr10:103,097,461, A>C on the plus strand (T>G on the coding strand, the complement: NT5C2 is on the minus strand). VCF-style: chr10-103097461-A-C. GRCh37 (hg19) VCF-style: chr10-104857218-A-C.
Other names: c.601-87T>G (NM_001351174.1); c.115-87T>G (NM_001351191.1, NM_001351192.1, NM_001351193.1 and 16 more transcripts); c.-27-87T>G (NM_001351194.2, NM_001351195.2, NM_001351196.2); c.688-87T>G (NM_001134373.3, NM_012229.5); c.712-87T>G (NM_001351170.2, NM_001351171.2, NM_001351172.2 and 1 more transcripts); c.595-87T>G (NM_001351175.2).
Identifiers: ClinVar variation 667737 (VCV000667737.2), dbSNP rs10786737, ClinGen allele CA13312332.

ClinVar aggregate classification (germline): Benign. Review status: criteria provided, multiple submitters, no conflicts (2 of 4 stars). 2 submissions from 2 submitters: Benign (2). Last evaluated 2018-06-14.

Allele frequency attached by ClinVar (database versions not stated): 1000 Genomes Project 30x 0.13648; 1000 Genomes Project 0.13998; gnomAD 0.14483 and 0.14550; TOPMed 0.14532; gnomAD exomes 0.15704.
gnomAD v4.1: 174,259 of 1,120,990 alleles (16%); highest among the groups gnomAD compares: Non-Finnish European, 16%; 14,275 homozygotes.

Submissions (2):

GeneDx
Classification: Benign. Last evaluated: 2018-06-14. Review status: criteria provided, single submitter. Criteria: GeneDx Variant Classification (06012015). Collection method: clinical testing. Allele origin: germline. Affected: yes.
Comment: This variant is considered likely benign or benign based on one or more of the following criteria: it is a conservative change, it occurs at a poorly conserved position in the protein, it is predicted to be benign by multiple in silico algorithms, and/or has population frequency not consistent with disease.

Breakthrough Genomics
Classification: Benign. Review status: criteria provided, single submitter. Criteria: ACMG Guidelines, 2015. Collection method: not provided. Allele origin: germline. Inheritance: Autosomal recessive inheritance. Affected: yes.